The following is an entry in ClinVar:

NM_001035.3(RYR2):c.9721A>G (p.Met3241Val)

Gene: RYR2 (ryanodine receptor 2; plus strand). Cytogenetic location: 1q43.
Variant type: single nucleotide variant.
Coding change: c.9721A>G on transcript NM_001035.3 (MANE Select); coding-DNA position 9721, A replaced by G.
Protein change: p.Met3241Val; replaces methionine 3241 with valine.
Molecular consequence: missense variant.
Genome position (GRCh38, 1-based): chr1:237,707,089, A>G. VCF-style: chr1-237707089-A-G. GRCh37 (hg19) VCF-style: chr1-237870389-A-G.
Other names: c.9721A>G, p.Met3241Val (LRG_402t1); short protein forms M3241V.
Identifiers: ClinVar variation 521822 (VCV000521822.7), dbSNP rs1408171604, ClinGen allele CA345408641.

ClinVar aggregate classification (germline): Uncertain significance. Review status: criteria provided, multiple submitters, no conflicts (2 of 4 stars). 2 submissions from 2 submitters: Uncertain significance (2). Last evaluated 2024-12-10.

Conditions:
Cardiovascular phenotype. Identifiers: MedGen CN230736.
Catecholaminergic polymorphic ventricular tachycardia 1. Also called: RYR2-Related Catecholaminergic Polymorphic Ventricular Tachycardia; VENTRICULAR TACHYCARDIA, CATECHOLAMINERGIC POLYMORPHIC, 1, WITH OR WITHOUT ATRIAL DYSFUNCTION AND/OR DILATED CARDIOMYOPATHY; VENTRICULAR TACHYCARDIA, STRESS-INDUCED POLYMORPHIC 1. Identifiers: Orphanet 3286, MedGen C1631597, MONDO:0011484, OMIM 604772.

Allele frequency attached by ClinVar (database versions not stated): gnomAD exomes below 0.00001; TOPMed below 0.00001.
gnomAD v4.1: 4 of 1,613,986 alleles (0.00025%); highest among the groups gnomAD compares: Non-Finnish European, 0.00025%; no homozygotes.

Submissions (2):

Labcorp Genetics (formerly Invitae), Labcorp
Classification: Uncertain significance for Catecholaminergic polymorphic ventricular tachycardia 1. Last evaluated: 2024-12-10. Review status: criteria provided, single submitter. Criteria: Invitae Variant Classification Sherloc (09022015). Collection method: clinical testing. Allele origin: germline.
Comment: This sequence change replaces methionine, which is neutral and non-polar, with valine, which is neutral and non-polar, at codon 3241 of the RYR2 protein (p.Met3241Val). This variant is not present in population databases (gnomAD no frequency). This variant has not been reported in the literature in individuals affected with RYR2-related conditions. ClinVar contains an entry for this variant (Variation ID: 521822). Invitae Evidence Modeling of protein sequence and biophysical properties (such as structural, functional, and spatial information, amino acid conservation, physicochemical variation, residue mobility, and thermodynamic stability) indicates that this missense variant is not expected to disrupt RYR2 protein function with a negative predictive value of 95%. In summary, the available evidence is currently insufficient to determine the role of this variant in disease. Therefore, it has been classified as a Variant of Uncertain Significance.

Ambry Genetics
Classification: Uncertain significance for Cardiovascular phenotype. Last evaluated: 2021-11-22. Review status: criteria provided, single submitter. Criteria: Ambry Variant Classification Scheme 2023. Collection method: clinical testing. Allele origin: germline.
Comment: The c.9721A>G (p.M3241V) alteration is located in exon 68 (coding exon 68) of the RYR2 gene. This alteration results from an A to G substitution at nucleotide position 9721, causing the methionine (M) at amino acid position 3241 to be replaced by a valine (V). This variant was not reported in population-based cohorts in the Genome Aggregation Database (gnomAD). This amino acid position is highly conserved in available vertebrate species. This alteration is predicted to be tolerated by in silico analysis. Based on insufficient or conflicting evidence, the clinical significance of this alteration remains unclear.